The following is an entry in ClinVar:

NM_017882.3(CLN6):c.298-15C>T

Gene: CLN6 (CLN6 transmembrane ER protein; minus strand). Cytogenetic location: 15q23.
Variant type: single nucleotide variant.
Coding change: c.298-15C>T on transcript NM_017882.3 (MANE Select); 15 bases into the intron before coding-DNA position 298, C replaced by T.
Molecular consequence: intron variant.
Genome position (GRCh38, 1-based): chr15:68,211,878, G>A on the plus strand (C>T on the coding strand, the complement: CLN6 is on the minus strand). VCF-style: chr15-68211878-G-A. GRCh37 (hg19) VCF-style: chr15-68504216-G-A.
Identifiers: ClinVar variation 316995 (VCV000316995.12), dbSNP rs368661456, ClinGen allele CA7630631.

ClinVar aggregate classification (germline): Conflicting classifications of pathogenicity. Review status: criteria provided, conflicting classifications (1 of 4 stars). 5 submissions from 5 submitters: Uncertain significance (1); Likely benign (3). 1 of the submissions does not count toward it. Last evaluated 2025-12-23.

Conditions:
CLN6-related disorder. Also called: CLN6-related condition.
Neuronal ceroid lipofuscinosis. Also called: Neuronal Ceroid Lipofuscinoses. Identifiers: Orphanet 216, Orphanet 79263, MedGen C0027877, MONDO:0016295. Disease mechanism: loss of function.

Allele frequency attached by ClinVar (database versions not stated): gnomAD exomes 0.00007; ExAC 0.00008; gnomAD 0.00009; TOPMed 0.00010; ESP Exome Variant Server 0.00023.
gnomAD v4.1: 322 of 1,612,266 alleles (0.02%); highest among the groups gnomAD compares: Non-Finnish European, 0.026%; no homozygotes.

Submissions (5):

Labcorp Genetics (formerly Invitae), Labcorp
Classification: Likely benign for Neuronal ceroid lipofuscinosis. Last evaluated: 2025-12-23. Review status: criteria provided, single submitter. Criteria: Invitae Variant Classification Sherloc (09022015). Collection method: clinical testing. Allele origin: germline.

Blueprint Genetics
Classification: Likely benign. Last evaluated: 2023-09-28. Review status: criteria provided, single submitter. Criteria: ACMG Guidelines, 2015. Collection method: clinical testing. Allele origin: germline.

Illumina Laboratory Services, Illumina
Classification: Uncertain significance for Neuronal ceroid lipofuscinosis. Last evaluated: 2018-01-13. Review status: criteria provided, single submitter. Criteria: ICSL Variant Classification Criteria 13 December 2019. Collection method: clinical testing. Allele origin: germline.

GeneDx
Classification: Likely benign. Last evaluated: 2015-12-04. Review status: criteria provided, single submitter. Criteria: GeneDx Variant Classification (06012015). Collection method: clinical testing. Allele origin: germline. Affected: yes.
Comment: This variant is considered likely benign or benign based on one or more of the following criteria: it is a conservative change, it occurs at a poorly conserved position in the protein, it is predicted to be benign by multiple in silico algorithms, and/or has population frequency not consistent with disease.

PreventionGenetics, part of Exact Sciences
Classification: Likely benign for CLN6-related condition. Last evaluated: 2020-05-11. Review status: no assertion criteria provided. Collection method: clinical testing. Allele origin: germline. Not counted in ClinVar's aggregate classification.
Comment: This variant is classified as likely benign based on ACMG/AMP sequence variant interpretation guidelines (Richards et al. 2015 PMID: 25741868, with internal and published modifications).